The following is an entry in ClinVar:

ClinVar aggregate classification (germline): Uncertain significance (1 of 4 stars; one submission).

Conditions:
MAGEL2-related disorder. Also called: MAGEL2-related condition.

Submission:

PreventionGenetics, part of Exact Sciences
Classification: Uncertain significance for MAGEL2-related condition. Last evaluated: 2025-01-04. Review status: criteria provided, single submitter. Criteria: ACMG Guidelines, 2015. Collection method: clinical testing. Allele origin: germline.
Comment: The MAGEL2 c.1069G>T variant is predicted to result in the amino acid substitution p.Ala357Ser. To our knowledge, this variant has not been reported in the literature or in a large population database (gnomAD), indicating this variant is rare. At this time, the clinical significance of this variant is uncertain due to the absence of conclusive functional and genetic evidence.

NM_019066.5(MAGEL2):c.1069G>T (p.Ala357Ser)

Gene: MAGEL2 (MAGE family member L2; minus strand). Cytogenetic location: 15q11.2.
Variant type: single nucleotide variant.
Coding change: c.1069G>T on transcript NM_019066.5 (MANE Select); coding-DNA position 1069, G replaced by T.
Protein change: p.Ala357Ser; replaces alanine 357 with serine.
Molecular consequence: missense variant.
Genome position (GRCh38, 1-based): chr15:23,646,674, C>A on the plus strand (G>T on the coding strand, the complement: MAGEL2 is on the minus strand). VCF-style: chr15-23646674-C-A. GRCh37 (hg19) VCF-style: chr15-23891821-C-A.
Other names: short protein forms A357S.
Identifiers: ClinVar variation 4998639 (VCV004998639.1).